The following is an entry in ClinVar:

NM_014585.6(SLC40A1):c.139T>C (p.Ser47Pro)

Gene: SLC40A1 (solute carrier family 40 member 1; minus strand). Cytogenetic location: 2q32.2.
Variant type: single nucleotide variant.
Coding change: c.139T>C on transcript NM_014585.6 (MANE Select); coding-DNA position 139, T replaced by C.
Protein change: p.Ser47Pro; replaces serine 47 with proline.
Molecular consequence: missense variant.
Genome position (GRCh38, 1-based): chr2:189,575,293, A>G on the plus strand (T>C on the coding strand, the complement: SLC40A1 is on the minus strand). VCF-style: chr2-189575293-A-G. GRCh37 (hg19) VCF-style: chr2-190440019-A-G.
Other names: short protein forms S47P.
Identifiers: ClinVar variation 827666 (VCV000827666.2), dbSNP rs1574245587, ClinGen allele CA349989865.
Genomic context (GRCh38, chr2:189,575,293, plus strand): 5'-CCAGCCCGTAGACTGCTGTCAAAAGGAGGCTGTTTCCATAGAGCTCTACCAGAAACACAG[A>G]CACCGCAAAGTGCCACATCCGATCTCCCTTAAATGAAAAGAGAAAATGTTTTGATGGAAT-3'
Protein context (NP_055400.1, residues 37-57): WGDRMWHFAV[Ser47Pro]VFLVELYGNS

ClinVar aggregate classification (germline): Uncertain significance (1 of 4 stars; one submission).

Submission:

MVZ Dr. Eberhard & Partner Dortmund
Classification: Uncertain significance. Last evaluated: 2019-07-11. Review status: criteria provided, single submitter. Criteria: ACMG Guidelines, 2015. Collection method: clinical testing. Allele origin: unknown. Observed: 1 heterozygote.
Comment: This variant is absent from controls like ESP, 1000 genomes or gnomAD. In silico analyses are conflicting for c.139T>C (p.(Ser47Pro)) (SIFT: predict tolerated; Mutation Taster: disease causing; Polyphen: HumDiv + HumVar: Probably damaging). In silico analyses give no hint that this variant affects splicing.